The following is an entry in ClinVar:

ClinVar aggregate classification (germline): Uncertain significance (1 of 4 stars; one submission).

Conditions:
Congenital myasthenic syndrome 10. Also called: Myasthenia, limb-girdle, familial. Identifiers: Orphanet 590, MedGen C1850792, MONDO:0009690, OMIM 254300.
Fetal akinesia deformation sequence 1 (FADS1). Also called: Pena-Shokeir syndrome type I; Fetal akinesia sequence. Identifiers: Orphanet 994, MedGen C1276035, MONDO:0100101, OMIM 208150, HP:0001989.

Submission:

Labcorp Genetics (formerly Invitae), Labcorp
Classification: Uncertain significance for Congenital myasthenic syndrome 10; Fetal akinesia deformation sequence 1. Last evaluated: 2021-09-04. Review status: criteria provided, single submitter. Criteria: Invitae Variant Classification Sherloc (09022015). Collection method: clinical testing. Allele origin: germline.
Comment: This sequence change replaces glycine with serine at codon 313 of the DOK7 protein (p.Gly313Ser). The glycine residue is highly conserved and there is a small physicochemical difference between glycine and serine. The frequency data for this variant in the population databases is considered unreliable, as metrics indicate insufficient coverage at this position in the ExAC database. This variant has not been reported in the literature in individuals affected with DOK7-related conditions. Algorithms developed to predict the effect of missense changes on protein structure and function output the following: SIFT: "Tolerated"; PolyPhen-2: "Benign"; Align-GVGD: "Class C0". The serine amino acid residue is found in multiple mammalian species, which suggests that this missense change does not adversely affect protein function. In summary, the available evidence is currently insufficient to determine the role of this variant in disease. Therefore, it has been classified as a Variant of Uncertain Significance.

NM_173660.5(DOK7):c.937G>A (p.Gly313Ser)

Gene: DOK7 (docking protein 7; plus strand). Cytogenetic location: 4p16.3.
Variant type: single nucleotide variant.
Coding change: c.937G>A on transcript NM_173660.5 (MANE Select); coding-DNA position 937, G replaced by A.
Protein change: p.Gly313Ser; replaces glycine 313 with serine.
Molecular consequence: missense variant. On other transcripts: 3 prime UTR variant (1).
Genome position (GRCh38, 1-based): chr4:3,492,923, G>A. VCF-style: chr4-3492923-G-A. GRCh37 (hg19) VCF-style: chr4-3494650-G-A.
Other names: c.505G>A, p.Gly169Ser (NM_001363811.2); c.*158G>A (NM_001164673.2); c.7G>A, p.Gly3Ser (NM_001256896.2); c.937G>A, p.Gly313Ser (NM_001301071.2); short protein forms G3S, G169S, G313S.
Identifiers: ClinVar variation 1474841 (VCV001474841.3), dbSNP rs1313698372, ClinGen allele CA356116421.
Genomic context (GRCh38, chr4:3,492,923, plus strand): 5'-AGCACGTCACAGGAGGGGCCTAGACCAGCAGCTGCCCAGGCCGCCGGGGAAGCCATGGTG[G>A]GTGCCTCAAGGCCACCCCCCAAGCCGCTGCGTCCGCGGCAGCTGCAGGAGGTTGGCCGCC-3'
Protein context (NP_775931.3, residues 303-323): AAQAAGEAMV[Gly313Ser]ASRPPPKPLR